The following is an entry in ClinVar:

ClinVar aggregate classification (germline): Conflicting classifications of pathogenicity. Review status: criteria provided, conflicting classifications (1 of 4 stars). 2 submissions from 2 submitters: Likely pathogenic (1); Uncertain significance (1). Last evaluated 2025-09-10.

Conditions:
Hypercholanemia, familial 1 (FHCA1). Identifiers: Orphanet 238475, MedGen C5542604, MONDO:0031446, OMIM 607748.

Allele frequency attached by ClinVar (database versions not stated): ExAC 0.00001; gnomAD exomes 0.00002; TOPMed 0.00002; gnomAD 0.00003 and 0.00004.
gnomAD v4.1: 53 of 1,613,998 alleles (0.0033%); highest among the groups gnomAD compares: Middle Eastern, 0.016%; no homozygotes.

Submissions (2):

Genomic Medicine Center of Excellence, King Faisal Specialist Hospital and Research Centre
Classification: Likely pathogenic for Hypercholanemia, familial 1. Last evaluated: 2025-09-10. Review status: criteria provided, single submitter. Criteria: ACMG Guidelines, 2015. Collection method: clinical testing. Allele origin: germline.

GeneDx
Classification: Uncertain significance. Last evaluated: 2022-03-04. Review status: criteria provided, single submitter. Criteria: GeneDx Variant Classification Process June 2021. Collection method: clinical testing. Allele origin: germline. Affected: yes.
Comment: Observed with a second variant in a patient with hearing loss in published literature (Zou et al., 2020); In silico analysis supports that this missense variant has a deleterious effect on protein structure/function; This variant is associated with the following publications: (PMID: 31130284, 31486067, 32942997)

NM_004817.4(TJP2):c.2044C>T (p.Arg682Trp)

Gene: TJP2 (tight junction protein 2; plus strand). Cytogenetic location: 9q21.11.
Variant type: single nucleotide variant.
Coding change: c.2044C>T on transcript NM_004817.4 (MANE Select); coding-DNA position 2044, C replaced by T.
Protein change: p.Arg682Trp; replaces arginine 682 with tryptophan.
Molecular consequence: missense variant.
Genome position (GRCh38, 1-based): chr9:69,237,001, C>T. VCF-style: chr9-69237001-C-T. GRCh37 (hg19) VCF-style: chr9-71851917-C-T.
Other names: c.1975C>T, p.Arg659Trp (NM_001170414.2, NM_001369871.1); c.2056C>T, p.Arg686Trp (NM_001170415.1, NM_001369874.1, NM_001369875.1); c.2137C>T, p.Arg713Trp (NM_001170416.2); c.1969C>T, p.Arg657Trp (NM_001369870.1); c.2044C>T, p.Arg682Trp (NM_001369872.1, NM_001369873.1, NM_201629.3); short protein forms R657W, R659W, R682W, R686W, R713W.
Identifiers: ClinVar variation 1343078 (VCV001343078.3), dbSNP rs760622082, ClinGen allele CA5073567.